The following is an entry in ClinVar:

ClinVar aggregate classification (germline): Conflicting classifications of pathogenicity. Review status: criteria provided, conflicting classifications (1 of 4 stars). 2 submissions from 1 submitter: Uncertain significance (1); Likely benign (1). Last evaluated 2018-01-12.

Conditions:
EAST syndrome (SESAMES). Also called: SEIZURES, SENSORINEURAL DEAFNESS, ATAXIA, IMPAIRED INTELLECTUAL DEVELOPMENT, AND ELECTROLYTE IMBALANCE. Identifiers: Orphanet 199343, MedGen C2748572, MONDO:0013005, OMIM 612780.
Autosomal recessive nonsyndromic hearing loss 4 (DFNB4). Also called: FOXI1-Related Pendred Syndrome; KCNJ10-Related Pendred Syndrome; DEAFNESS, AUTOSOMAL RECESSIVE 4, WITH ENLARGED VESTIBULAR AQUEDUCT, DIGENIC; NEUROSENSORY NONSYNDROMIC RECESSIVE DEAFNESS 4; Nonsyndromic enlarged vestibular aqueduct (NSEVA); Deafness, autosomal recessive 4, with enlarged vestibular aqueduct. Identifiers: Orphanet 90636, MedGen C3538946, MONDO:0010933, OMIM 600791.

Allele frequency attached by ClinVar (database versions not stated): 1000 Genomes Project 0.00060; 1000 Genomes Project 30x 0.00062; TOPMed 0.00151; gnomAD 0.00157 and 0.00159.

Submissions (2):

Illumina Laboratory Services, Illumina
Classification: Likely benign for EAST syndrome. Last evaluated: 2018-01-12. Review status: criteria provided, single submitter. Criteria: ICSL Variant Classification Criteria 13 December 2019. Collection method: clinical testing. Allele origin: germline.
Comment: This variant was observed in the ICSL laboratory as part of a predisposition screen in an ostensibly healthy population. It had not been previously curated by ICSL or reported in the Human Gene Mutation Database (HGMD: prior to June 1st, 2018), and was therefore a candidate for classification through an automated scoring system. Utilizing variant allele frequency, disease prevalence and penetrance estimates, and inheritance mode, an automated score was calculated to assess if this variant is too frequent to cause the disease. Based on the score and internal cut-off values, a variant classified as likely benign is not then subjected to further curation. The score for this variant resulted in a classification of likely benign for this disease.

Illumina Laboratory Services, Illumina
Classification: Uncertain significance for Autosomal recessive nonsyndromic hearing loss 4. Last evaluated: 2018-01-12. Review status: criteria provided, single submitter. Criteria: ICSL Variant Classification Criteria 13 December 2019. Collection method: clinical testing. Allele origin: germline.

NM_002241.5(KCNJ10):c.*1839C>T

Gene: KCNJ10 (potassium inwardly rectifying channel subfamily J member 10; minus strand). Cytogenetic location: 1q23.2.
Variant type: single nucleotide variant.
Coding change: c.*1839C>T on transcript NM_002241.5 (MANE Select); 1839 bases downstream of the stop codon, C replaced by T.
Molecular consequence: 3 prime UTR variant.
Genome position (GRCh38, 1-based): chr1:160,039,554, G>A on the plus strand (C>T on the coding strand, the complement: KCNJ10 is on the minus strand). VCF-style: chr1-160039554-G-A. GRCh37 (hg19) VCF-style: chr1-160009344-G-A.
Identifiers: ClinVar variation 293099 (VCV000293099.5), dbSNP rs138511291, ClinGen allele CA10607908.